The following is an entry in ClinVar:

ClinVar aggregate classification (germline): Pathogenic/Likely pathogenic. Review status: criteria provided, multiple submitters, no conflicts (2 of 4 stars). 11 submissions from 11 submitters: Pathogenic (7); Likely pathogenic (2). 2 of the submissions do not count toward it. Last evaluated 2026-05-24.

Conditions:
Noonan syndrome and Noonan-related syndrome. Identifiers: Orphanet 98733, MedGen C5681679, MONDO:0020297.
Colorectal cancer. Also called: Colorectal cancer, somatic; Malignant Colorectal Neoplasm. Identifiers: MedGen C0346629, MONDO:0005575, OMIM 114500.
Noonan syndrome 7 (NS7). Also called: BRAF-Related Noonan Syndrome. Identifiers: Orphanet 648, MedGen C3150970, MONDO:0013379, OMIM 613706.
Melanoma, cutaneous malignant, susceptibility to, 1 (CMM1). Also called: MELANOMA, MALIGNANT; DYSPLASTIC NEVUS SYNDROME, HEREDITARY; FAMILIAL ATYPICAL MOLE-MALIGNANT MELANOMA SYNDROME; B-K MOLE SYNDROME. Identifiers: Orphanet 618, MedGen C1835047, MONDO:0007963, OMIM 155600.
Lung cancer. Also called: Lung cancer, somatic; Malignant tumor of lung. Identifiers: MedGen C0242379, MONDO:0008903, OMIM 211980.
LEOPARD syndrome 3 (LPRD3). Identifiers: Orphanet 500, MedGen C3150971, MONDO:0013380, OMIM 613707.
Cardiofaciocutaneous syndrome 1 (CFC1). Also called: BRAF-Related Cardiofaciocutaneous Syndrome. Identifiers: Orphanet 1340, MedGen CN029449, MONDO:0007265, OMIM 115150. Disease mechanism: gain of function.
RASopathy. Also called: Noonan spectrum disorder; rasopathies. Identifiers: Orphanet 536391, MedGen C5555857, MONDO:0021060.

Submissions (11):

Victorian Clinical Genetics Services, Murdoch Childrens Research Institute
Classification: Pathogenic for Cardiofaciocutaneous syndrome 1. Last evaluated: 2026-05-24. Review status: criteria provided, single submitter. Criteria: ACMG Guidelines, 2015. Collection method: clinical testing. Allele origin: germline. Affected: yes.
Comment: This variant is classified as Pathogenic. Evidence in support of pathogenic classification: Variant is absent from gnomAD (v2, v3 and v4); This variant has strong previous evidence of pathogenicity in unrelated individuals. This variant has been classified as likely pathogenic/pathogenic by many clinical laboratories in ClinVar. This variant has also been reported in the literature in individuals with Noonan syndrome and cardiofaciocutaneous syndrome (PMIDs: 18456719, 36938251); Missense variant predicted to be damaging by in silico tool(s) or highly conserved with a major amino acid change; Additional information: Variant is predicted to result in a missense amino acid change from Lys to Glu; This variant is heterozygous; This gene is associated with autosomal dominant disease; Alternative amino acid change(s) at the same position are present in gnomAD (highest allele count: v4: 1 heterozygote(s), 0 homozygote(s)); Variant is located in the annotated protein tyrosine and serine/threonine kinase (DECIPHER). - Gain of function is a known mechanism of disease in this gene and is associated with LEOPARD syndrome 3 (MIM#613707), cardiofaciocutaneous syndrome (MIM#115150), and Noonan syndrome 7 (MIM#613706) (PMIDs: 28783719, 29540830).

GeneDx
Classification: Pathogenic. Last evaluated: 2023-12-02. Review status: criteria provided, single submitter. Criteria: GeneDx Variant Classification Process June 2021. Collection method: clinical testing. Allele origin: germline. Affected: yes.
Comment: Not observed at significant frequency in large population cohorts (gnomAD); Missense variants in this gene are a common cause of disease and they are underrepresented in the general population; In silico analysis supports that this missense variant has a deleterious effect on protein structure/function; This variant is associated with the following publications: (PMID: 22824468, 23505473, 18456719, 34184824, 18413255, 23093928, 16474404, 18042262, 19376813, 24803665, 16439621, 30462361, 31560489, 32369273, 28404629)

3billion
Classification: Pathogenic for Cardiofaciocutaneous syndrome 1. Last evaluated: 2022-05-22. Review status: criteria provided, single submitter. Criteria: ACMG Guidelines, 2015. Collection method: clinical testing. Allele origin: germline. Affected: yes. Observed: 1 heterozygote.
Comment: Amino acid change identical t o known pathogenic variant has been previously reported with established evidence (ClinVar ID: VCV000013976, PMID:16474404). Different pathogenic amino acid change has been reported with sufficient evidence at the same codon (ClinVar ID: VCV000040371,VCV000040372, PMID:18042262). The variant is located in a well-established functional domain or exonic hotspot, where pathogenic variants have frequently reported. In silico prediction tools and conservation analysis predicted that this variant was probably damaging to the protein structure/function (REVEL: 0.829>=0.6). A missense variant is a common mechanism associated with Cardiofaciocutaneous syndrome. It is absent from the gnomAD v2.1.1 dataset. ATherefore, this variant is classified as pathogenic according to the recommendation of ACMG/AMP guideline.

Laboratory of Medical Genetics, National & Kapodistrian University of Athens
Classification: Pathogenic for Cardiofaciocutaneous syndrome 1. Last evaluated: 2021-11-22. Review status: criteria provided, single submitter. Criteria: ACMG Guidelines, 2015. Collection method: clinical testing. Allele origin: germline. Affected: yes.
Comment: PM1, PM2, PM5, PP2, PP3, PP5

Women's Health and Genetics/Laboratory Corporation of America, LabCorp
Classification: Likely pathogenic for Rasopathy. Last evaluated: 2018-04-09. Review status: criteria provided, single submitter. Criteria: LabCorp Variant Classification Summary - May 2015. Collection method: clinical testing. Allele origin: germline.
Comment: Variant summary: BRAF c.1495A>G (p.Lys499Glu) results in a conservative amino acid change located in the protein kinase domain (IPR000719) of the encoded protein sequence. Four of five in-silico tools predict a benign effect of the variant on protein function. The variant was absent in 246384 control chromosomes (in gnomAD and publication data). c.1495A>G has been reported in the literature in individuals affected with Cardiofaciocutaneous Syndrome (Rodriguez-Viciana 2006, Niihori 2006, Schulz 2008). These data indicate that the variant may be associated with disease. Two publications report experimental evidence evaluating an impact on protein function, and both of them demonstrated an increased kinase activity for the variant protein (Rodriguez-Viciana 2006, Niihori 2006). Two clinical diagnostic laboratories have submitted clinical-significance assessments for this variant to ClinVar after 2014 without evidence for independent evaluation, and classified the variant as pathogenic/likely pathogenic. Based on the evidence outlined above, the variant was classified as likely pathogenic.

Genome Diagnostics Laboratory, The Hospital for Sick Children
Classification: Pathogenic for Noonan syndrome and Noonan-related syndrome. Last evaluated: 2016-12-12. Review status: criteria provided, single submitter. Criteria: ACMG Guidelines, 2015. Collection method: clinical testing. Allele origin: germline. Affected: yes.

Molecular Diagnostics Lab, Nemours Children's Health, Delaware
Classification: Likely pathogenic. Last evaluated: 2015-07-23. Review status: criteria provided, single submitter. Criteria: ACMG Guidelines, 2015. Collection method: clinical testing. Allele origin: unknown. Affected: yes. Observed: 1 variant allele.

Juno Genomics, Hangzhou Juno Genomics, Inc
Classification: Pathogenic for Lung cancer; Cardiofaciocutaneous syndrome 1; Colorectal cancer; LEOPARD syndrome 3; Melanoma, cutaneous malignant, susceptibility to, 1; Noonan syndrome 7. Review status: criteria provided, single submitter. Criteria: ACMG Guidelines, 2015. Collection method: clinical testing. Allele origin: germline. Affected: yes.
Comment: Absent from controls (or at extremely low frequency if recessive) in Genome Aggregation Database, Exome Sequencing Project, 1000 Genomes Project, or Exome Aggregation Consortium.;Missense variant in a gene that has a low rate of benign missense variation and where missense variants are a common mechanism of disease.;Well-established in vitro or in vivo functional studies supportive of a damaging effect on the gene or gene product.;The prevalence of the variant in affected individuals is significantly increased compared to the prevalence in controls.;De novo (both maternity and paternity confirmed) in a patient with the disease and no family history.

Neuberg Centre For Genomic Medicine, NCGM
Classification: Pathogenic for Lung cancer. Review status: criteria provided, single submitter. Criteria: ACMG Guidelines, 2015. Collection method: clinical testing. Allele origin: germline. Inheritance: Autosomal dominant inheritance. Affected: yes.
Comment: This variant is also known as BRAF c.1495A>G (p.Lys499Glu) has been reported in multiple individuals affected with cardiofaciocutaneous syndrome and noonan syndrome. Different pathogenic amino acid change has been reported with sufficient evidence at the same codon (Schulz AL, et.al., 2008). The variant is located in a well-established functional domain or exonic hotspot, where pathogenic variants have frequently reported. Experimental evidence evaluating an impact on protein function (Niihori T, et.al., 2006).

Clinical Genetics Laboratory, University Hospital Schleswig-Holstein
Classification: Pathogenic for Cardiofaciocutaneous syndrome 1. Last evaluated: 2023-08-29. Review status: no assertion criteria provided. Collection method: clinical testing. Allele origin: de novo. Affected: yes. Not counted in ClinVar's aggregate classification.

OMIM
Classification: Pathogenic for CARDIOFACIOCUTANEOUS SYNDROME 1. Last evaluated: 2006-03-01. Review status: no assertion criteria provided. Collection method: literature only. Allele origin: germline. Not counted in ClinVar's aggregate classification.

Literature cited by the submitters: PubMed 36938251 (cited by Victorian Clinical Genetics Services, Murdoch Childrens Research Institute); PubMed 29540830 (cited by Victorian Clinical Genetics Services, Murdoch Childrens Research Institute); PubMed 18456719 (cited by Victorian Clinical Genetics Services, Murdoch Childrens Research Institute); PubMed 28783719 (cited by Victorian Clinical Genetics Services, Murdoch Childrens Research Institute); PubMed 18042262 (cited by 3 submitters); PubMed 16474404 (cited by 4 submitters); PubMed 16439621 (cited by Women's Health and Genetics/Laboratory Corporation of America, LabCorp and Molecular Diagnostics Lab, Nemours Children's Health, Delaware); PubMed 20186801 (cited by Women's Health and Genetics/Laboratory Corporation of America, LabCorp).

NM_004333.6(BRAF):c.1495A>G (p.Lys499Glu)

Gene: BRAF (B-Raf proto-oncogene, serine/threonine kinase; minus strand). Cytogenetic location: 7q34.
Variant type: single nucleotide variant.
Coding change: c.1495A>G on transcript NM_004333.6 (MANE Select); coding-DNA position 1495, A replaced by G.
Protein change: p.Lys499Glu; replaces lysine 499 with glutamic acid.
Molecular consequence: missense variant.
Genome position (GRCh38, 1-based): chr7:140,778,013, T>C on the plus strand (A>G on the coding strand, the complement: BRAF is on the minus strand). VCF-style: chr7-140778013-T-C. GRCh37 (hg19) VCF-style: chr7-140477813-T-C.
Other names: p.K499E:AAA>GAA; c.1495A>G, p.Lys499Glu (NM_001354609.2, NM_001378468.1, NM_001378474.1); c.1615A>G, p.Lys539Glu (NM_001374244.1, NM_001374258.1); c.1504A>G, p.Lys502Glu (NM_001378467.1); c.1429A>G, p.Lys477Glu (NM_001378469.1); c.1393A>G, p.Lys465Glu (NM_001378470.1); c.1384A>G, p.Lys462Glu (NM_001378471.1); c.1339A>G, p.Lys447Glu (NM_001378472.1, NM_001378473.1); and 1 more; short protein forms K499E, K411E, K447E, K462E, K465E, K477E, K502E, K539E.
Identifiers: ClinVar variation 13976 (VCV000013976.19), dbSNP rs180177037, ClinGen allele CA279972.